The following is an entry in ClinVar:

NM_018136.5(ASPM):c.4612C>T (p.Arg1538Ter)

Gene: ASPM (assembly factor for spindle microtubules; minus strand). Cytogenetic location: 1q31.3.
Variant type: single nucleotide variant.
Coding change: c.4612C>T on transcript NM_018136.5 (MANE Select); coding-DNA position 4612, C replaced by T.
Protein change: p.Arg1538Ter; replaces arginine 1538 with a stop codon.
Molecular consequence: nonsense. On other transcripts: intron variant (1).
Genome position (GRCh38, 1-based): chr1:197,104,639, G>A on the plus strand (C>T on the coding strand, the complement: ASPM is on the minus strand). VCF-style: chr1-197104639-G-A. GRCh37 (hg19) VCF-style: chr1-197073769-G-A.
Other names: c.4066-8475C>T (NM_001206846.2); short protein forms R1538*.
Identifiers: ClinVar variation 1338429 (VCV001338429.14), dbSNP rs751326753, ClinGen allele CA1309897.

ClinVar aggregate classification (germline): Pathogenic/Likely pathogenic. Review status: criteria provided, multiple submitters, no conflicts (2 of 4 stars). 6 submissions from 6 submitters: Pathogenic (5); Likely pathogenic (1). Last evaluated 2024-12-19.

Conditions:
Microcephaly 5, primary, autosomal recessive (MCPH5). Also called: ASPM Primary Microcephaly. Identifiers: Orphanet 2512, MedGen C1837501, MONDO:0012106, OMIM 608716.

Allele frequency attached by ClinVar (database versions not stated): gnomAD exomes below 0.00001; ExAC 0.00001; gnomAD 0.00001; TOPMed 0.00002.
gnomAD v4.1: 8 of 1,612,814 alleles (0.0005%); highest among the groups gnomAD compares: East Asian, 0.0022%; no homozygotes.

Submissions (6):

Genomic Medicine Center of Excellence, King Faisal Specialist Hospital and Research Centre
Classification: Pathogenic for Microcephaly 5, primary, autosomal recessive. Last evaluated: 2024-12-19. Review status: criteria provided, single submitter. Criteria: ACMG Guidelines, 2015. Collection method: clinical testing. Allele origin: germline.

Labcorp Genetics (formerly Invitae), Labcorp
Classification: Pathogenic. Last evaluated: 2023-11-19. Review status: criteria provided, single submitter. Criteria: Invitae Variant Classification Sherloc (09022015). Collection method: clinical testing. Allele origin: germline.
Comment: This sequence change creates a premature translational stop signal (p.Arg1538*) in the ASPM gene. It is expected to result in an absent or disrupted protein product. Loss-of-function variants in ASPM are known to be pathogenic (PMID: 19028728, 23611254). This variant is present in population databases (rs751326753, gnomAD 0.0009%). This premature translational stop signal has been observed in individual(s) with clinical features of ASPM-related conditions (PMID: 27250695). ClinVar contains an entry for this variant (Variation ID: 1338429). For these reasons, this variant has been classified as Pathogenic.

Genome-Nilou Lab
Classification: Pathogenic for Microcephaly 5, primary, autosomal recessive. Last evaluated: 2023-04-11. Review status: criteria provided, single submitter. Criteria: ACMG Guidelines, 2015. Collection method: clinical testing. Allele origin: germline. Affected: no.

Revvity Omics, Revvity
Classification: Pathogenic for Microcephaly 5, primary, autosomal recessive. Last evaluated: 2022-01-14. Review status: criteria provided, single submitter. Criteria: ACMG Guidelines, 2015. Collection method: clinical testing. Allele origin: germline.

Genetic Services Laboratory, University of Chicago
Classification: Pathogenic. Last evaluated: 2018-09-04. Review status: criteria provided, single submitter. Criteria: ACMG Guidelines, 2015. Collection method: clinical testing. Allele origin: germline. Affected: yes.
Comment: DNA sequence analysis of the ASPM gene demonstrated a homozygous sequence change, c.4612C>T, which results in the creation of a premature stop codon at amino acid position 1538, p.Arg1538*. This pathogenic sequence change is predicted to result in an abnormal transcript, which may be degraded, or may lead to the production of a truncated ASPM protein with potentially abnormal function. This pathogenic sequence change has previously been described in a patient with ASPM-related microcephaly (PMID: 27250695).

Juno Genomics, Hangzhou Juno Genomics, Inc
Classification: Likely pathogenic for Microcephaly 5, primary, autosomal recessive. Review status: criteria provided, single submitter. Criteria: ACMG Guidelines, 2015. Collection method: clinical testing. Allele origin: germline.
Comment: Absent from controls (or at extremely low frequency if recessive) in Genome Aggregation Database.;Null variant in a gene where loss of function (LOF) is a known mechanism of disease.

Literature cited by the submitters: PubMed 19028728 (cited by Labcorp Genetics (formerly Invitae), Labcorp); PubMed 23611254 (cited by Labcorp Genetics (formerly Invitae), Labcorp); PubMed 27250695 (cited by Labcorp Genetics (formerly Invitae), Labcorp).